The following is an entry in ClinVar:

NM_001378454.1(ALMS1):c.6757G>T (p.Glu2253Ter)

Gene: ALMS1 (ALMS1 centrosome and basal body associated protein; plus strand). Cytogenetic location: 2p13.1.
Variant type: single nucleotide variant.
Coding change: c.6757G>T on transcript NM_001378454.1 (MANE Select); coding-DNA position 6757, G replaced by T.
Protein change: p.Glu2253Ter; replaces glutamic acid 2253 with a stop codon.
Molecular consequence: nonsense.
Genome position (GRCh38, 1-based): chr2:73,453,284, G>T. VCF-style: chr2-73453284-G-T. GRCh37 (hg19) VCF-style: chr2-73680411-G-T.
Other names: c.6760G>T, p.Glu2254Ter (NM_015120.4); short protein forms E2253*, E2254*.
Identifiers: ClinVar variation 4815799 (VCV004815799.1).

ClinVar aggregate classification (germline): Pathogenic (1 of 4 stars; one submission).

Conditions:
Alstrom syndrome (ALMS). Identifiers: Orphanet 64, MedGen C0268425, MONDO:0008763, OMIM 203800.

Submission:

Natera, Inc.
Classification: Pathogenic for Alstrom syndrome. Last evaluated: 2025-12-12. Review status: criteria provided, single submitter. Criteria: Natera Variant Classification Schema (03/2026). Collection method: clinical testing. Allele origin: germline.
Comment: The c.6760G>T variant in ALMS1 is a nonsense variant predicted to introduce a stop codon at amino acid 2254. This variant is expected to result in nonsense mediated decay, truncation, or a dysfunctional protein product. This variant is rare in the general population with a frequency below the threshold expected for the associated phenotype(s). This variant has been observed in one or more individuals affected with the associated recessive disease, as either homozygous or compound heterozygous with a second variant (PMID: 36162988). Given the available evidence, this variant is classified as Pathogenic.

Literature cited by the submitters: PubMed 36162988.